The following is an entry in ClinVar:

ClinVar aggregate classification (germline): Likely benign. Review status: criteria provided, multiple submitters, no conflicts (2 of 4 stars). 2 submissions from 2 submitters: Likely benign (2). Last evaluated 2025-12-25.

Conditions:
Hypogonadotropic hypogonadism 2 with or without anosmia (HH2). Also called: HYPOGONADOTROPIC HYPOGONADISM 2 WITHOUT ANOSMIA; HYPOGONADOTROPIC HYPOGONADISM 2 WITH OR WITHOUT ANOSMIA, SUSCEPTIBILITY TO; HYPOGONADOTROPIC HYPOGONADISM 2 WITHOUT ANOSMIA, SUSCEPTIBILITY TO; FGFR1-Related GnRH Deficiency (Kallmann Syndrome 2). Identifiers: Orphanet 478, MedGen C1563720, MONDO:0007844, OMIM 147950. Disease mechanism: loss of function.
Pfeiffer syndrome (ACS5). Also called: ACS V. Identifiers: Orphanet 710, MedGen C0220658, MONDO:0007043, OMIM 101600.

Submissions (2):

Labcorp Genetics (formerly Invitae), Labcorp
Classification: Likely benign for Pfeiffer syndrome; Hypogonadotropic hypogonadism 2 with or without anosmia. Last evaluated: 2025-12-25. Review status: criteria provided, single submitter. Criteria: Invitae Variant Classification Sherloc (09022015). Collection method: clinical testing. Allele origin: germline.

GeneDx
Classification: Likely benign. Last evaluated: 2023-06-09. Review status: criteria provided, single submitter. Criteria: GeneDx Variant Classification Process June 2021. Collection method: clinical testing. Allele origin: germline.
Comment: See Variant Classification Assertion Criteria.

NM_023110.3(FGFR1):c.1855-14_1855-11del

Gene: FGFR1 (fibroblast growth factor receptor 1; minus strand). Cytogenetic location: 8p11.23.
Variant type: Deletion.
Coding change: c.1855-14_1855-11del on transcript NM_023110.3 (MANE Select); 14 bases into the intron before coding-DNA position 1855 through 11 bases into the intron before coding-DNA position 1855, 4 bases deleted (TCCT; older notation c.1855-14_1855-11delTCCT).
Molecular consequence: intron variant.
Genome position (GRCh38, 1-based): chr8:38,414,912-38,414,915, AGGA deleted on the plus strand (TCCT on the coding strand, the reverse complement: FGFR1 is on the minus strand); deleting any 4 consecutive bases within chr8:38,414,912-38,414,918 gives the same sequence; the c. name uses the placement nearest the transcript's 3' end. VCF-style (leftmost placement, unchanged base first): chr8-38414911-GAGGA-G. GRCh37 (hg19) VCF-style: chr8-38272429-GAGGA-G.
Other names: c.1576-14_1576-11del (NM_001354368.2); c.1582-14_1582-11del (NM_001354370.2, NM_023106.3); c.1588-14_1588-11del (NM_023105.3, NM_001174066.2); c.1849-14_1849-11del (NM_001354367.2, NM_015850.4, NM_001174063.2 and 1 more transcripts); c.1825-14_1825-11del (NM_001174064.2); c.1843-14_1843-11del (NM_001354369.2, NM_001410922.1); c.1948-14_1948-11del (NM_001174067.2).
Identifiers: ClinVar variation 2504966 (VCV002504966.5), dbSNP rs751366805, ClinGen allele CA4718243.